The following is an entry in ClinVar:

ClinVar aggregate classification (germline): Likely benign (1 of 4 stars; one submission).

Allele frequency attached by ClinVar (database versions not stated): gnomAD exomes below 0.00001.

Submission:

CeGaT Center for Human Genetics Tuebingen
Classification: Likely benign. Last evaluated: 2022-03-01. Review status: criteria provided, single submitter. Criteria: CeGaT Center For Human Genetics Tuebingen Variant Classification Criteria Version 2. Collection method: clinical testing. Allele origin: germline. Affected: yes. Observed: 1 variant allele.
Comment: CLDN9: BP4, BP7

NM_020982.4(CLDN9):c.451C>T (p.Leu151=)

Gene: CLDN9 (claudin 9; plus strand). Cytogenetic location: 16p13.3.
Variant type: single nucleotide variant.
Coding change: c.451C>T on transcript NM_020982.4 (MANE Select); coding-DNA position 451, C replaced by T.
Protein change: p.Leu151=; no amino-acid change (leucine 151 retained).
Molecular consequence: synonymous variant.
Genome position (GRCh38, 1-based): chr16:3,013,813, C>T. VCF-style: chr16-3013813-C-T. GRCh37 (hg19) VCF-style: chr16-3063814-C-T.
Identifiers: ClinVar variation 2646095 (VCV002646095.24), dbSNP rs2506367321, ClinGen allele CA493376733.